The following is an entry in ClinVar:

NM_007294.4(BRCA1):c.76A>G (p.Ile26Val)

Gene: BRCA1 (BRCA1 DNA repair associated; minus strand). Cytogenetic location: 17q21.31.
Variant type: single nucleotide variant.
Coding change: c.76A>G on transcript NM_007294.4 (MANE Select); coding-DNA position 76, A replaced by G.
Protein change: p.Ile26Val; replaces isoleucine 26 with valine.
Molecular consequence: missense variant. On other transcripts: 5 prime UTR variant (1), non-coding transcript variant (1).
Genome position (GRCh38, 1-based): chr17:43,124,021, T>C on the plus strand (A>G on the coding strand, the complement: BRCA1 is on the minus strand). VCF-style: chr17-43124021-T-C. GRCh37 (hg19) VCF-style: chr17-41276038-T-C.
Other names: c.-113A>G (NM_001407571.1, NM_001407853.1, NM_001407879.1 and 46 more transcripts); c.76A>G, p.Ile26Val (NM_001407581.1, NM_001407582.1, NM_001407583.1 and 193 more transcripts); c.-182A>G (NM_001407694.1, NM_001407724.1, NM_001407727.1 and 11 more transcripts); c.-186A>G (NM_001407695.1, NM_001408465.1); c.-327A>G (NM_001407696.1); c.-211A>G (NM_001407697.1, NM_001407846.1, NM_001407920.1); c.-12A>G (NM_001407698.1, NM_001407732.1, NM_001407736.1 and 23 more transcripts); c.-185A>G (NM_001407725.1, NM_001407730.1, NM_001407734.1 and 22 more transcripts); and 8 more; short protein forms I26V.
Identifiers: ClinVar variation 865067 (VCV000865067.3), dbSNP rs1597923170, ClinGen allele CA10602006.
Genomic context (GRCh38, chr17:43,124,021, plus strand): 5'-TTGCATAGGAGATAATCATAGGAATCCCAAATTAATACACTCTTGTGCTGACTTACCAGA[T>C]GGGACACTCTAAGATTTTCTGCATAGCATTAATGACATTTTGTACTTCTTCAACGCGAAG-3'
Protein context (NP_009225.1, residues 16-36): NAMQKILECP[Ile26Val]CLELIKEPVS

Conditions:
Breast-ovarian cancer, familial, susceptibility to, 1 (BROVCA1). Also called: BRCA1 Hereditary Breast and Ovarian Cancer; OVARIAN CANCER, SUSCEPTIBILITY TO. Identifiers: Orphanet 145, MedGen C2676676, MONDO:0011450, OMIM 604370. Disease mechanism: loss of function.

Submission:

Brotman Baty Institute, University of Washington
No classification provided (evidence only). Condition: Breast-ovarian cancer, familial 1. Review status: no classification provided. Collection method: in vitro. Allele origin: not applicable. Functional consequence: functionally_normal.
ClinVar note: "not provided" was previously submitted as the classification for the variant. However, the classification appeared to be based only on an observation of functional data so it was converted to no classification on 2025-07-30.